The following is an entry in ClinVar:

ClinVar aggregate classification (germline): Likely benign (1 of 4 stars; one submission).

Conditions:
Congenital contractural arachnodactyly (CCA). Also called: BEALS SYNDROME; Beals-Hecht syndrome; Arthrogryposis, distal, type 9. Identifiers: Orphanet 115, MedGen C0220668, MONDO:0007363, OMIM 121050.

Allele frequency attached by ClinVar (database versions not stated): TOPMed 0.00244; 1000 Genomes Project 30x 0.00265; gnomAD 0.00277; 1000 Genomes Project 0.00280.
gnomAD v4.1: 469 of 355,766 alleles (0.13%); highest among the groups gnomAD compares: African/African-American, 0.87%; 3 homozygotes.

Submission:

Illumina Laboratory Services, Illumina
Classification: Likely benign for Congenital contractural arachnodactyly. Last evaluated: 2017-04-27. Review status: criteria provided, single submitter. Criteria: ICSL Variant Classification Criteria 13 December 2019. Collection method: clinical testing. Allele origin: germline.
Comment: This variant was observed as part of a predisposition screen in an ostensibly healthy population. A literature search was performed for the gene, cDNA change, and amino acid change (where applicable). No publications were found based on this search. Allele frequency data from public databases allowed determination this variant is unlikely to cause disease. Therefore, this variant is classified as likely benign.

NM_001999.4(FBN2):c.-344G>C

Gene: FBN2 (fibrillin 2; minus strand). Cytogenetic location: 5q23.3.
Variant type: single nucleotide variant.
Coding change: c.-344G>C on transcript NM_001999.4 (MANE Select); 344 bases upstream of the start codon, G replaced by C.
Molecular consequence: 5 prime UTR variant.
Genome position (GRCh38, 1-based): chr5:128,537,947, C>G on the plus strand (G>C on the coding strand, the complement: FBN2 is on the minus strand). VCF-style: chr5-128537947-C-G. GRCh37 (hg19) VCF-style: chr5-127873640-C-G.
Identifiers: ClinVar variation 350800 (VCV000350800.5), dbSNP rs564044015, ClinGen allele CA10620140.